The following is an entry in ClinVar:

NM_000391.4(TPP1):c.1621G>A (p.Gly541Ser)

Gene: TPP1 (tripeptidyl peptidase 1; minus strand). Cytogenetic location: 11p15.4.
Variant type: single nucleotide variant.
Coding change: c.1621G>A on transcript NM_000391.4 (MANE Select); coding-DNA position 1621, G replaced by A.
Protein change: p.Gly541Ser; replaces glycine 541 with serine.
Molecular consequence: missense variant.
Genome position (GRCh38, 1-based): chr11:6,614,617, C>T on the plus strand (G>A on the coding strand, the complement: TPP1 is on the minus strand). VCF-style: chr11-6614617-C-T. GRCh37 (hg19) VCF-style: chr11-6635848-C-T.
Other names: short protein forms G541S.
Identifiers: ClinVar variation 1439502 (VCV001439502.5), dbSNP rs2134590426, ClinGen allele CA379472079.

ClinVar aggregate classification (germline): Uncertain significance (1 of 4 stars; one submission).

Submission:

Labcorp Genetics (formerly Invitae), Labcorp
Classification: Uncertain significance. Last evaluated: 2021-08-26. Review status: criteria provided, single submitter. Criteria: Invitae Variant Classification Sherloc (09022015). Collection method: clinical testing. Allele origin: germline.
Comment: This sequence change replaces glycine with serine at codon 541 of the TPP1 protein (p.Gly541Ser). The glycine residue is moderately conserved and there is a small physicochemical difference between glycine and serine. This variant is not present in population databases (ExAC no frequency). This variant has not been reported in the literature in individuals affected with TPP1-related conditions. Advanced modeling of protein sequence and biophysical properties (such as structural, functional, and spatial information, amino acid conservation, physicochemical variation, residue mobility, and thermodynamic stability) performed at Invitae indicates that this missense variant is expected to disrupt TPP1 protein function. Algorithms developed to predict the effect of sequence changes on RNA splicing suggest that this variant may create or strengthen a splice site. In summary, the available evidence is currently insufficient to determine the role of this variant in disease. Therefore, it has been classified as a Variant of Uncertain Significance.